The following is an entry in ClinVar:

ClinVar aggregate classification (germline): Uncertain significance (1 of 4 stars; one submission).

Conditions:
Spastic paraplegia. Identifiers: MedGen C0037772, HP:0001258.

Submission:

Labcorp Genetics (formerly Invitae), Labcorp
Classification: Uncertain significance for Spastic paraplegia. Last evaluated: 2022-03-26. Review status: criteria provided, single submitter. Criteria: Invitae Variant Classification Sherloc (09022015). Collection method: clinical testing. Allele origin: germline.
Comment: In summary, the available evidence is currently insufficient to determine the role of this variant in disease. Therefore, it has been classified as a Variant of Uncertain Significance. Algorithms developed to predict the effect of sequence changes on RNA splicing suggest that this variant may disrupt the consensus splice site. This variant has not been reported in the literature in individuals affected with KDM5C-related conditions. This variant is not present in population databases (gnomAD no frequency). This sequence change falls in intron 25 of the KDM5C gene. It does not directly change the encoded amino acid sequence of the KDM5C protein.

NM_004187.5(KDM5C):c.4318-7A>G

Gene: KDM5C (lysine demethylase 5C; minus strand). Cytogenetic location: Xp11.22.
Variant type: single nucleotide variant.
Coding change: c.4318-7A>G on transcript NM_004187.5 (MANE Select); 7 bases into the intron before coding-DNA position 4318, A replaced by G.
Molecular consequence: intron variant.
Genome position (GRCh38, 1-based): chrX:53,193,339, T>C on the plus strand (A>G on the coding strand, the complement: KDM5C is on the minus strand). VCF-style: chrX-53193339-T-C. GRCh37 (hg19) VCF-style: chrX-53222521-T-C.
Other names: c.4305+98A>G (NM_001353982.2); c.4314+98A>G (NM_001353979.2); c.4308+98A>G (NM_001353981.2, NM_001353984.2); c.4046+159A>G (NM_001146702.2); c.4315-7A>G (NM_001282622.3); c.4309-7A>G (NM_001353978.3).
Identifiers: ClinVar variation 2088981 (VCV002088981.4), dbSNP rs2146813829, ClinGen allele CA2580101172.